The following is an entry in ClinVar:

ClinVar aggregate classification (germline): Uncertain significance. Review status: criteria provided, single submitter (1 of 4 stars). 2 submissions from 2 submitters: Uncertain significance (1). 1 of the submissions does not count toward it. Last evaluated 2018-12-03.

Conditions:
Nemaline myopathy 2 (NEM2). Also called: Nemaline myopathy 2, autosomal recessive. Identifiers: MedGen C1850569, MONDO:0009725, OMIM 256030.

Submissions (2):

Labcorp Genetics (formerly Invitae), Labcorp
Classification: Uncertain significance for Nemaline myopathy 2. Last evaluated: 2018-12-03. Review status: criteria provided, single submitter. Criteria: Invitae Variant Classification Sherloc (09022015). Collection method: clinical testing. Allele origin: germline.
Comment: In summary, the available evidence is currently insufficient to determine the role of this variant in disease. Therefore, it has been classified as a Variant of Uncertain Significance. Algorithms developed to predict the effect of missense changes on protein structure and function are either unavailable or do not agree on the potential impact of this missense change (SIFT: "Deleterious"; PolyPhen-2: "Not Available"; Align-GVGD: "Class C0"). This variant has not been reported in the literature in individuals with NEB-related conditions. This variant is not present in population databases (ExAC no frequency). This sequence change replaces glutamic acid with aspartic acid at codon 403 of the NEB protein (p.Glu403Asp). The glutamic acid residue is moderately conserved and there is a small physicochemical difference between glutamic acid and aspartic acid.

Natera, Inc.
Classification: Uncertain significance for Nemaline myopathy type 2. Last evaluated: 2021-09-09. Review status: no assertion criteria provided. Collection method: clinical testing. Allele origin: germline. Not counted in ClinVar's aggregate classification.

NM_001164508.2(NEB):c.1209G>T (p.Glu403Asp)

Gene: NEB (nebulin; minus strand). Cytogenetic location: 2q23.3.
Variant type: single nucleotide variant.
Coding change: c.1209G>T on transcript NM_001164508.2 (MANE Select); coding-DNA position 1209, G replaced by T.
Protein change: p.Glu403Asp; replaces glutamic acid 403 with aspartic acid.
Molecular consequence: missense variant.
Genome position (GRCh38, 1-based): chr2:151,697,592, C>A on the plus strand (G>T on the coding strand, the complement: NEB is on the minus strand). VCF-style: chr2-151697592-C-A. GRCh37 (hg19) VCF-style: chr2-152554106-C-A.
Other names: c.1209G>T, p.Glu403Asp (NM_001164507.2, NM_001271208.2, NM_004543.5); short protein forms E403D.
Identifiers: ClinVar variation 652769 (VCV000652769.12), dbSNP rs1576715880, ClinGen allele CA348825910.